The following is an entry in ClinVar:

NM_177550.5(SLC13A5):c.1576-4C>G

Gene: SLC13A5 (solute carrier family 13 member 5; minus strand). Cytogenetic location: 17p13.1.
Variant type: single nucleotide variant.
Coding change: c.1576-4C>G on transcript NM_177550.5 (MANE Select); 4 bases into the intron before coding-DNA position 1576, C replaced by G.
Molecular consequence: intron variant.
Genome position (GRCh38, 1-based): chr17:6,686,342, G>C on the plus strand (C>G on the coding strand, the complement: SLC13A5 is on the minus strand). VCF-style: chr17-6686342-G-C. GRCh37 (hg19) VCF-style: chr17-6589661-G-C.
Other names: c.1447-4C>G (NM_001284510.2); c.1525-4C>G (NM_001284509.2); c.1438-4C>G (NM_001143838.3).
Identifiers: ClinVar variation 1775590 (VCV001775590.5), dbSNP rs1392358462, ClinGen allele CA774265083.

ClinVar aggregate classification (germline): Conflicting classifications of pathogenicity. Review status: criteria provided, conflicting classifications (1 of 4 stars). 2 submissions from 2 submitters: Uncertain significance (1); Likely benign (1). Last evaluated 2023-11-27.

Conditions:
Inborn genetic diseases. Identifiers: MedGen C0950123, MeSH D030342.
Developmental and epileptic encephalopathy, 25 (DEE25). Also called: Developmental and epileptic encephalopathy 25, with amelogenesis imperfecta; Epileptic encephalopathy, early infantile, 25, with amelogenesis imperfecta; Epileptic encephalopathy, early infantile, 25. Identifiers: Orphanet 442835, MedGen C4014621, MONDO:0014392, OMIM 615905.

Allele frequency attached by ClinVar (database versions not stated): TOPMed below 0.00001.
gnomAD v4.1: 1 of 1,614,048 alleles (0.000062%); highest among the groups gnomAD compares: Non-Finnish European, 0.000085%; no homozygotes.

Submissions (2):

Labcorp Genetics (formerly Invitae), Labcorp
Classification: Likely benign for Developmental and epileptic encephalopathy, 25. Last evaluated: 2023-11-27. Review status: criteria provided, single submitter. Criteria: Invitae Variant Classification Sherloc (09022015). Collection method: clinical testing. Allele origin: germline.

Ambry Genetics
Classification: Uncertain significance for Inborn genetic diseases. Last evaluated: 2018-01-22. Review status: criteria provided, single submitter. Criteria: Ambry Variant Classification Scheme 2023. Collection method: clinical testing. Allele origin: germline.
Comment: The c.1576-4C>G intronic variant results from a C to G substitution 4 nucleotides upstream from coding exon 12 in the SLC13A5 gene. This nucleotide position is not well conserved in available vertebrate species. Using the BDGP and ESEfinder splice site prediction tools, this alteration is not predicted to have any significant effect on this splice acceptor site; however, direct evidence is unavailable. Since supporting evidence is limited at this time, the clinical significance of this alteration remains unclear.